The following is an entry in ClinVar:

NM_015107.3(PHF8):c.718C>T (p.Arg240Ter)

Gene: PHF8 (PHD finger protein 8; minus strand). Cytogenetic location: Xp11.22.
Variant type: single nucleotide variant.
Coding change: c.718C>T on transcript NM_015107.3 (MANE Select); coding-DNA position 718, C replaced by T.
Protein change: p.Arg240Ter; replaces arginine 240 with a stop codon.
Molecular consequence: nonsense.
Genome position (GRCh38, 1-based): chrX:54,014,442, G>A on the plus strand (C>T on the coding strand, the complement: PHF8 is on the minus strand). VCF-style: chrX-54014442-G-A. GRCh37 (hg19) VCF-style: chrX-54040875-G-A.
Other names: c.826C>T, p.Arg276Ter (NM_001184896.1, NM_001441096.1, NM_001441097.1 and 1 more transcripts); c.718C>T, p.Arg240Ter (NM_001184897.2, NM_001184898.2); short protein forms R240*, R276*.
Identifiers: ClinVar variation 4280332 (VCV004280332.2).
Genomic context (GRCh38, chrX:54,014,442, plus strand): 5'-GTACATGGTACCAGACAGAGGTGCCACCAAAGTCAATGTGAAAGTCTGTATAGCTATCTC[G>A]CACACTCATGAGGCAGTACTTCTGTACATTGGGTCTCTCAAAGACACATTCCTCTGGCCA-3'

ClinVar aggregate classification (germline): Likely pathogenic. Review status: criteria provided, multiple submitters, no conflicts (2 of 4 stars). 2 submissions from 2 submitters: Likely pathogenic (2). Last evaluated 2024-04-29.

Conditions:
Intellectual developmental disorder, X-linked, syndromic, Siderius type. Also called: Syndromic X-linked intellectual disability Siderius type. Identifiers: Orphanet 85287, MedGen C1846055, MONDO:0010286, OMIM 300263.
PHF8-related disorder. Also called: PHF8-related condition.

Submissions (2):

Blueprint Genetics
Classification: Likely pathogenic for PHF8-related disorders. Last evaluated: 2024-04-29. Review status: criteria provided, single submitter. Criteria: ACMG Guidelines, 2015. Collection method: clinical testing. Allele origin: germline. Affected: yes. Observed: 1 variant allele.

3billion
Classification: Likely pathogenic for Intellectual developmental disorder, X-linked, syndromic, Siderius type. Last evaluated: 2023-05-25. Review status: criteria provided, single submitter. Criteria: ACMG Guidelines, 2015. Collection method: research. Allele origin: germline. Inheritance: X-linked inheritance. Affected: yes.
Comment: The variant is not observed in the gnomAD v2.1.1 dataset. The variant is predicted to result in a loss or disruption of normal protein function through nonsense-mediated decay (NMD) or protein truncation. Multiple pathogenic variants are reported downstream of the variant. Therefore, the variant was classified as likely pathogenic.